The following is an entry in ClinVar:

NM_001330078.2(NRXN1):c.3349C>T (p.Pro1117Ser)

Gene: NRXN1 (neurexin 1; minus strand). Cytogenetic location: 2p16.3.
Variant type: single nucleotide variant.
Coding change: c.3349C>T on transcript NM_001330078.2 (MANE Select); coding-DNA position 3349, C replaced by T.
Protein change: p.Pro1117Ser; replaces proline 1117 with serine.
Molecular consequence: missense variant.
Genome position (GRCh38, 1-based): chr2:50,465,457, G>A on the plus strand (C>T on the coding strand, the complement: NRXN1 is on the minus strand). VCF-style: chr2-50465457-G-A. GRCh37 (hg19) VCF-style: chr2-50692595-G-A.
Other names: c.3469C>T, p.Pro1157Ser (NM_001135659.3); c.3325C>T, p.Pro1109Ser (NM_001330077.2, NM_001330082.2); c.3283C>T, p.Pro1095Ser (NM_001330083.2, NM_001330084.2); c.3322C>T, p.Pro1108Ser (NM_001330085.2); c.3349C>T, p.Pro1117Ser (NM_001330086.2, NM_004801.6); c.3238C>T, p.Pro1080Ser (NM_001330087.2, NM_001330096.2); c.3268C>T, p.Pro1090Ser (NM_001330088.2); c.3346C>T, p.Pro1116Ser (NM_001330093.2); and 2 more; short protein forms P1090S, P1095S, P1100S, P1108S, P1109S, P1157S, P1113S, P1080S.
Identifiers: ClinVar variation 2700512 (VCV002700512.3), dbSNP rs2468582862, ClinGen allele CA346770180.
Genomic context (GRCh38, chr2:50,465,457, plus strand): 5'-TGGAAGCAACGATGAGTATCAGTCCATACTCAGAGAGGTACTTACGGTCATTGCAGAGTG[G>A]TCCACTGAAGGAAGTCATACTACAGTCACAGCTGAAGCCATCCCATTGTTGCAAGCACAC-3'
Protein context (NP_001317007.1, residues 1107-1127): CDCSMTSFSG[Pro1117Ser]LCNDPGTTYI

ClinVar aggregate classification (germline): Uncertain significance (1 of 4 stars; one submission).

Conditions:
Pitt-Hopkins-like syndrome 2 (PTHSL2). Identifiers: Orphanet 221150, Orphanet 600663, MedGen C3280479, MONDO:0013690, OMIM 614325.

Submission:

Labcorp Genetics (formerly Invitae), Labcorp
Classification: Uncertain significance for Pitt-Hopkins-like syndrome 2. Last evaluated: 2023-12-02. Review status: criteria provided, single submitter. Criteria: Invitae Variant Classification Sherloc (09022015). Collection method: clinical testing. Allele origin: germline.
Comment: This sequence change replaces proline, which is neutral and non-polar, with serine, which is neutral and polar, at codon 1157 of the NRXN1 protein (p.Pro1157Ser). This variant is not present in population databases (gnomAD no frequency). This variant has not been reported in the literature in individuals affected with NRXN1-related conditions. An algorithm developed to predict the effect of missense changes on protein structure and function (PolyPhen-2) suggests that this variant is likely to be tolerated. In summary, the available evidence is currently insufficient to determine the role of this variant in disease. Therefore, it has been classified as a Variant of Uncertain Significance.